The following is an entry in ClinVar:

NM_001046.3(SLC12A2):c.2200G>T (p.Ala734Ser)

Gene: SLC12A2 (solute carrier family 12 member 2; plus strand). Cytogenetic location: 5q23.3.
Variant type: single nucleotide variant.
Coding change: c.2200G>T on transcript NM_001046.3 (MANE Select); coding-DNA position 2200, G replaced by T.
Protein change: p.Ala734Ser; replaces alanine 734 with serine.
Molecular consequence: missense variant. On other transcripts: non-coding transcript variant (1).
Genome position (GRCh38, 1-based): chr5:128,151,333, G>T. VCF-style: chr5-128151333-G-T. GRCh37 (hg19) VCF-style: chr5-127487025-G-T.
Other names: c.2200G>T, p.Ala734Ser (NM_001256461.2); short protein forms A734S.
Identifiers: ClinVar variation 4874767 (VCV004874767.2).

ClinVar aggregate classification (germline): Uncertain significance (1 of 4 stars; one submission).

Submission:

CeGaT Center for Human Genetics Tuebingen
Classification: Uncertain significance. Last evaluated: 2026-04-01. Review status: criteria provided, single submitter. Criteria: CeGaT Center For Human Genetics Tuebingen Variant Classification Criteria Version 2. Collection method: clinical testing. Allele origin: germline. Affected: yes. Observed: 1 variant allele.
Comment: SLC12A2: PM2